The following is an entry in ClinVar:

NM_003738.5(PTCH2):c.563C>G (p.Pro188Arg)

Gene: PTCH2 (patched 2; minus strand). Cytogenetic location: 1p34.1.
Variant type: single nucleotide variant.
Coding change: c.563C>G on transcript NM_003738.5 (MANE Select); coding-DNA position 563, C replaced by G.
Protein change: p.Pro188Arg; replaces proline 188 with arginine.
Molecular consequence: missense variant.
Genome position (GRCh38, 1-based): chr1:44,831,760, G>C on the plus strand (C>G on the coding strand, the complement: PTCH2 is on the minus strand). VCF-style: chr1-44831760-G-C. GRCh37 (hg19) VCF-style: chr1-45297432-G-C.
Other names: c.563C>G, p.Pro188Arg (NM_001166292.2); c.563C>G (NM_003738.4); short protein forms P188R.
Identifiers: ClinVar variation 2203256 (VCV002203256.7), dbSNP rs372784104, ClinGen allele CA823582.

ClinVar aggregate classification (germline): Uncertain significance. Review status: criteria provided, multiple submitters, no conflicts (2 of 4 stars). 2 submissions from 2 submitters: Uncertain significance (2). Last evaluated 2025-12-15.

Conditions:
Gorlin syndrome. Also called: Nevoid Basal Cell Carcinoma Syndrome; Basal cell nevus syndrome. Identifiers: Orphanet 377, MedGen C0004779, MONDO:0007187.

Allele frequency attached by ClinVar (database versions not stated): ESP Exome Variant Server 0.00008.
gnomAD v4.1: 25 of 1,588,164 alleles (0.0016%); highest among the groups gnomAD compares: South Asian, 0.0023%; no homozygotes.

Submissions (2):

Ambry Genetics
Classification: Uncertain significance. Last evaluated: 2025-12-15. Review status: criteria provided, single submitter. Criteria: Ambry Variant Classification Scheme 2023. Collection method: clinical testing. Allele origin: germline.

Labcorp Genetics (formerly Invitae), Labcorp
Classification: Uncertain significance for Gorlin syndrome. Last evaluated: 2025-02-18. Review status: criteria provided, single submitter. Criteria: Invitae Variant Classification Sherloc (09022015). Collection method: clinical testing. Allele origin: germline.
Comment: This sequence change replaces proline, which is neutral and non-polar, with arginine, which is basic and polar, at codon 188 of the PTCH2 protein (p.Pro188Arg). This variant is present in population databases (rs372784104, gnomAD 0.004%). This variant has not been reported in the literature in individuals affected with PTCH2-related conditions. ClinVar contains an entry for this variant (Variation ID: 2203256). Invitae Evidence Modeling of protein sequence and biophysical properties (such as structural, functional, and spatial information, amino acid conservation, physicochemical variation, residue mobility, and thermodynamic stability) indicates that this missense variant is expected to disrupt PTCH2 protein function with a positive predictive value of 80%. In summary, the available evidence is currently insufficient to determine the role of this variant in disease. Therefore, it has been classified as a Variant of Uncertain Significance.